The following is an entry in ClinVar:

ClinVar aggregate classification (germline): Uncertain significance (1 of 4 stars; one submission).

gnomAD v4.1: 4 of 1,612,124 alleles (0.00025%); highest among the groups gnomAD compares: Non-Finnish European, 0.00034%; no homozygotes.

Submission:

Labcorp Genetics (formerly Invitae), Labcorp
Classification: Uncertain significance. Last evaluated: 2024-08-09. Review status: criteria provided, single submitter. Criteria: Invitae Variant Classification Sherloc (09022015). Collection method: clinical testing. Allele origin: germline.
Comment: This sequence change replaces isoleucine, which is neutral and non-polar, with leucine, which is neutral and non-polar, at codon 232 of the MUT protein (p.Ile232Leu). This variant is present in population databases (no rsID available, gnomAD 0.0009%). This variant has not been reported in the literature in individuals affected with MUT-related conditions. Advanced modeling of protein sequence and biophysical properties (such as structural, functional, and spatial information, amino acid conservation, physicochemical variation, residue mobility, and thermodynamic stability) performed at Invitae indicates that this missense variant is expected to disrupt MUT protein function with a positive predictive value of 95%. In summary, the available evidence is currently insufficient to determine the role of this variant in disease. Therefore, it has been classified as a Variant of Uncertain Significance.

NM_000255.4(MMUT):c.694A>C (p.Ile232Leu)

Gene: MMUT (methylmalonyl-CoA mutase; minus strand). Cytogenetic location: 6p12.3.
Variant type: single nucleotide variant.
Coding change: c.694A>C on transcript NM_000255.4 (MANE Select); coding-DNA position 694, A replaced by C.
Protein change: p.Ile232Leu; replaces isoleucine 232 with leucine.
Molecular consequence: missense variant.
Genome position (GRCh38, 1-based): chr6:49,457,750, T>G on the plus strand (A>C on the coding strand, the complement: MMUT is on the minus strand). VCF-style: chr6-49457750-T-G. GRCh37 (hg19) VCF-style: chr6-49425463-T-G.
Other names: short protein forms I232L.
Identifiers: ClinVar variation 3612206 (VCV003612206.1).